The following is an entry in ClinVar:

NM_001042681.2(RERE):c.4307TCCACC[3] (p.1436LH[3])

Gene: RERE (arginine-glutamic acid dipeptide repeats; minus strand). Cytogenetic location: 1p36.23.
Variant type: Microsatellite.
Coding change: c.4307TCCACC[3] on transcript NM_001042681.2 (MANE Select); three copies in a row of the 6-base unit TCCACC starting at c.4307; the reference has two copies in a row; one copy, 6 bases duplicated; also written c.4313_4318dup.
Protein change: p.1436LH[3].
Molecular consequence: inframe insertion.
Genome position (GRCh38, 1-based): chr1:8,358,217-8,358,222, GGTGGA duplicated on the plus strand (TCCACC on the coding strand, the reverse complement: RERE is on the minus strand); duplicating any 6 consecutive bases within chr1:8,358,217-8,358,233 gives the same sequence; the position shown is the placement nearest the transcript's 3' end. VCF-style (leftmost placement, unchanged base first): chr1-8358216-T-TGGTGGA. GRCh37 (hg19) VCF-style: chr1-8418276-T-TGGTGGA.
Other names: c.4313_4318dupTCCACC (NM_001042681.2, NM_001042681.1); c.2645TCCACC[3], p.882LH[3] (NM_001042682.2); c.4307TCCACC[3], p.1436LH[3] (NM_012102.4); c.4313_4318dup (NM_001042681.1).
Identifiers: ClinVar variation 418456 (VCV000418456.10), dbSNP rs1064793252, ClinGen allele CA16617194.

ClinVar aggregate classification (germline): Pathogenic/Likely pathogenic. Review status: criteria provided, multiple submitters, no conflicts (2 of 4 stars). 8 submissions from 8 submitters: Pathogenic (4); Likely pathogenic (1). 3 of the submissions do not count toward it. Last evaluated 2021-05-06.

Conditions:
CHARGE syndrome (CHARGE). Also called: Hittner Hirsch Kreh syndrome; CHARGE ASSOCIATION--COLOBOMA, HEART ANOMALY, CHOANAL ATRESIA, RETARDATION, GENITAL AND EAR ANOMALIES; Coloboma, heart anomaly, choanal atresia, retardation, genital and ear anomalies; CHARGE association; Hall-Hittner syndrome. Identifiers: Orphanet 138, MedGen C0265354, MONDO:0008965.
Neurodevelopmental disorder with or without anomalies of the brain, eye, or heart (NEDBEH). Identifiers: Orphanet 494344, MedGen C5567477, MONDO:0014857, OMIM 616975.

Submissions (8):

Victorian Clinical Genetics Services, Murdoch Childrens Research Institute
Classification: Pathogenic for Neurodevelopmental disorder with or without anomalies of the brain, eye, or heart. Last evaluated: 2021-05-06. Review status: criteria provided, single submitter. Criteria: ACMG Guidelines, 2015. Collection method: clinical testing. Allele origin: germline. Inheritance: Autosomal dominant inheritance.
Comment: Based on the classification scheme VCGS_Germline_v1.3.4, this variant is classified as Pathogenic. Following criteria are met: 0102 - Loss of function is a known mechanism of disease in this gene and is associated with neurodevelopmental disorder with or without anomalies of the brain, eye, or heart (MIM#616975). (I) 0107 - This gene is associated with autosomal dominant disease. (I) 0213 - In-frame insertion/deletion in a non-repetitive region that has high conservation. (SP) 0251 - This variant is heterozygous. (I) 0301 - Variant is absent from gnomAD (both v2 and v3). (SP) 0600 - Variant is located in the annotated Atrophin-1 domain (PDB). (I) 0801 - This variant has strong previous evidence of pathogenicity in unrelated individuals. It has been reported as de novo in multiple individuals with CHARGE-like syndrome (PMIDs: 27087320, 29300383, 29330883) and as pathogenic in ClinVar. (SP) Legend: (SP) - Supporting pathogenic, (I) - Information, (SB) - Supporting benign

GeneDx
Classification: Pathogenic. Last evaluated: 2018-02-28. Review status: criteria provided, single submitter. Criteria: GeneDx Variant Classification (06012015). Collection method: clinical testing. Allele origin: germline. Affected: yes.
Comment: The apparently de novo c.4313_4318dupTCCACC variant in the RERE gene has been reported previously as de novo in an individual with microcephaly, developmental delay, short stature, congenital heart defects, unilateral iris coloboma, choanal atresia, cryptorchidism, thin corpus callosum and ventriculomegaly (Fregeau et al., 2016). The c.4313_4318dupTCCACC variant represents the in-frame duplication of two amino acids, Leucine 1438 and Histidine 1439, denoted p.Leu1438_His1439dup. The duplicated residues are well conserved across species. The c.4313_4318dupTCCACC variant was not observed in approximately 6500 individuals of European and African American ancestry in the NHLBI Exome Sequencing Project, indicating it is not a common variant in these populations. Therefore, we now interpret c.4313_4318dupTCCACC as a pathogenic variant.

Daryl Scott Lab, Baylor College of Medicine
Classification: Pathogenic for Neurodevelopmental disorder with or without anomalies of the brain, eye, or heart. Last evaluated: 2017-09-12. Review status: criteria provided, single submitter. Criteria: Jordan VK et al. (Hum Mutat 2018). Collection method: clinical testing. Allele origin: de novo. Affected: yes. Observed: 2 variant alleles.

Clinical Genetics Service, Universitary Hospital 12 de Octubre
Classification: Pathogenic for Neurodevelopmental disorder with or without anomalies of the brain, eye, or heart. Review status: criteria provided, single submitter. Criteria: ACMG Guidelines, 2015. Collection method: clinical testing. Allele origin: de novo. Affected: yes.

Royal Medical Services, Bahrain Defence Force Hospital
Classification: Likely pathogenic for Neurodevelopmental disorder with or without anomalies of the brain, eye, or heart. Review status: criteria provided, single submitter. Criteria: ACMG Guidelines, 2015. Collection method: clinical testing. Allele origin: de novo. Inheritance: Autosomal dominant inheritance. Affected: yes. Observed: 1 heterozygote.
Comment: The RERE variant c.4313_4318dupTCCACC p. (Leu1438_His1439dup) is an in-frame duplication of 6 bps in exon(s) no. 20 (of 23), which causes the duplication of 2 residues. According to HGMD Professional 2024.1, this variant has previously been described as disease causing for Neurodevelopmental disorder with brain, eye and heart anomalies. ClinVar lists this variant (Interpretation: Pathogenic; Variation ID: 418456). It is classified as likely pathogenic based on CENTOGENE's implementation of the ACMG/AMP/ClinGen SVI guidelines.

OMIM
Classification: Pathogenic for NEURODEVELOPMENTAL DISORDER WITH ANOMALIES OF THE BRAIN AND HEART. Last evaluated: 2022-04-19. Review status: no assertion criteria provided. Collection method: literature only. Allele origin: germline. Not counted in ClinVar's aggregate classification.

Sbielas Lab-Department of Human Genetics University of Michigan, University of Michigan Medical School
Classification: Pathogenic for Neurodevelopmental disorder with or without anomalies of the brain, eye, or heart. Last evaluated: 2017-10-27. Review status: no assertion criteria provided. Collection method: research. Allele origin: de novo. Affected: yes. Not counted in ClinVar's aggregate classification.

University of Washington Center for Mendelian Genomics, University of Washington
Classification: Likely pathogenic for CHARGE syndrome. Review status: no assertion criteria provided. Collection method: research. Allele origin: de novo. Affected: yes. Not counted in ClinVar's aggregate classification.

Literature cited by the submitters: PubMed 27087320 (cited by Victorian Clinical Genetics Services, Murdoch Childrens Research Institute and OMIM); PubMed 29300383 (cited by 3 submitters); PubMed 29330883 (cited by 3 submitters); PubMed 33057194 (cited by Royal Medical Services, Bahrain Defence Force Hospital); PubMed 33772547 (cited by Royal Medical Services, Bahrain Defence Force Hospital).